The following is an entry in ClinVar:

ClinVar aggregate classification (germline): Uncertain significance (1 of 4 stars; one submission).

Conditions:
POLD1-related polyposis and colorectal cancer syndrome (CRCS10). Also called: Colorectal cancer 10; COLORECTAL CANCER, SUSCEPTIBILITY TO, ON CHROMOSOME 19q; Colorectal cancer, susceptibility to, 10. Identifiers: Orphanet 220460, MedGen C2675481, MONDO:0012953, OMIM 612591.

Submission:

Labcorp Genetics (formerly Invitae), Labcorp
Classification: Uncertain significance for POLD1-related polyposis and colorectal cancer syndrome. Last evaluated: 2024-06-09. Review status: criteria provided, single submitter. Criteria: Invitae Variant Classification Sherloc (09022015). Collection method: clinical testing. Allele origin: germline.
Comment: This sequence change replaces arginine, which is basic and polar, with leucine, which is neutral and non-polar, at codon 218 of the POLD1 protein (p.Arg218Leu). The frequency data for this variant in the population databases is considered unreliable, as metrics indicate poor data quality at this position in the gnomAD database. This variant has not been reported in the literature in individuals affected with POLD1-related conditions. Advanced modeling of protein sequence and biophysical properties (such as structural, functional, and spatial information, amino acid conservation, physicochemical variation, residue mobility, and thermodynamic stability) performed at Invitae indicates that this missense variant is not expected to disrupt POLD1 protein function with a negative predictive value of 80%. In summary, the available evidence is currently insufficient to determine the role of this variant in disease. Therefore, it has been classified as a Variant of Uncertain Significance.

NM_002691.4(POLD1):c.653G>T (p.Arg218Leu)

Gene: POLD1 (DNA polymerase delta 1, catalytic subunit; plus strand). Cytogenetic location: 19q13.33.
Variant type: single nucleotide variant.
Coding change: c.653G>T on transcript NM_002691.4 (MANE Select); coding-DNA position 653, G replaced by T.
Protein change: p.Arg218Leu; replaces arginine 218 with leucine.
Molecular consequence: missense variant. On other transcripts: non-coding transcript variant (1).
Genome position (GRCh38, 1-based): chr19:50,402,268, G>T. VCF-style: chr19-50402268-G-T. GRCh37 (hg19) VCF-style: chr19-50905525-G-T.
Other names: c.653G>T, p.Arg218Leu (NM_001256849.1, NM_001308632.1); short protein forms R218L.
Identifiers: ClinVar variation 3675174 (VCV003675174.2).